The following is an entry in ClinVar:

NM_001042492.3(NF1):c.8106C>T (p.Tyr2702=)

Gene: NF1 (neurofibromin 1; plus strand). Cytogenetic location: 17q11.2.
Variant type: single nucleotide variant.
Coding change: c.8106C>T on transcript NM_001042492.3 (MANE Select); coding-DNA position 8106, C replaced by T.
Protein change: p.Tyr2702=; no amino-acid change (tyrosine 2702 retained).
Molecular consequence: synonymous variant.
Genome position (GRCh38, 1-based): chr17:31,358,615, C>T. VCF-style: chr17-31358615-C-T. GRCh37 (hg19) VCF-style: chr17-29685633-C-T.
Other names: c.8043C>T, p.Tyr2681= (NM_000267.4).
Identifiers: ClinVar variation 724937 (VCV000724937.15), dbSNP rs754271057, ClinGen allele CA8487728.

ClinVar aggregate classification (germline): Benign/Likely benign. Review status: criteria provided, multiple submitters, no conflicts (2 of 4 stars). 4 submissions from 4 submitters: Benign (1); Likely benign (3). Last evaluated 2026-05-22.

Conditions:
Hereditary cancer-predisposing syndrome. Also called: Hereditary Cancer Syndrome; Hereditary neoplastic syndrome; Neoplastic Syndromes, Hereditary; Tumor predisposition. Identifiers: Orphanet 140162, MedGen C0027672, MeSH D009386, MONDO:0015356.
Cardiovascular phenotype. Identifiers: MedGen CN230736.
Neurofibromatosis, type 1 (NF1). Also called: Neurofibromatosis, type I; VON RECKLINGHAUSEN DISEASE; NEUROFIBROMATOSIS, TYPE I, SOMATIC; Peripheral type neurofibromatosis. Identifiers: Orphanet 636, MedGen C0027831, MONDO:0018975, OMIM 162200. Disease mechanism: loss of function.

Allele frequency attached by ClinVar (database versions not stated): ExAC 0.00001; TOPMed 0.00001; gnomAD 0.00001; gnomAD exomes below 0.00001.
gnomAD v4.1: 5 of 1,613,898 alleles (0.00031%); highest among the groups gnomAD compares: Non-Finnish European, 0.00042%; no homozygotes.

Submissions (4):

Myriad Genetics, Inc.
Classification: Benign for Neurofibromatosis, type 1. Last evaluated: 2026-05-22. Review status: criteria provided, single submitter. Criteria: Myriad Autosomal Dominant, Autosomal Recessive and X-Linked Classification Criteria (2023). Collection method: clinical testing. Allele origin: unknown.
Comment: This variant is considered benign. This variant is a silent/synonymous amino acid change and it is not expected to impact splicing.

Labcorp Genetics (formerly Invitae), Labcorp
Classification: Likely benign for Neurofibromatosis, type 1. Last evaluated: 2025-06-16. Review status: criteria provided, single submitter. Criteria: Invitae Variant Classification Sherloc (09022015). Collection method: clinical testing. Allele origin: germline.

Genome-Nilou Lab
Classification: Likely benign for Neurofibromatosis, type 1. Last evaluated: 2022-03-15. Review status: criteria provided, single submitter. Criteria: ACMG Guidelines, 2015. Collection method: clinical testing. Allele origin: germline. Affected: no.

Ambry Genetics
Classification: Likely benign for Cardiovascular phenotype; Hereditary cancer-predisposing syndrome. Last evaluated: 2019-11-14. Review status: criteria provided, single submitter. Criteria: Ambry Variant Classification Scheme 2023. Collection method: clinical testing. Allele origin: germline.